The following is an entry in ClinVar:

ClinVar aggregate classification (germline): Pathogenic (1 of 4 stars; one submission).

Conditions:
Inborn genetic diseases. Identifiers: MedGen C0950123, MeSH D030342.

Submission:

Ambry Genetics
Classification: Pathogenic for Inborn genetic diseases. Last evaluated: 2014-07-18. Review status: criteria provided, single submitter. Criteria: Ambry General Variant Classification Scheme_2022. Collection method: clinical testing. Allele origin: germline. Observed: 1 variant allele.
Comment: The c.1915G>T (p.E639*) alteration, located in exon 14 (coding exon 13) of the SPTBN2 gene, consists of a G to T substitution at nucleotide position 1915. This changes the amino acid from a glutamic acid (E) to a stop codon at amino acid position 639. Premature stop codons are typically deleterious in nature (Richards, 2015). Based on data from the NHLBI Exome Sequencing Project (ESP), the c.1915G>T alteration was not observed among xxxx individuals tested (0.0%). Allele frequency data for this nucleotide position are not currently available from the 1000 Genomes Project and the alteration is not currently listed in the Database of Single Nucleotide Polymorphisms (dbSNP). Though some variants may appear to be rare due to database-specific ethnic underrepresentation, rare missense alleles commonly exhibit a deleterious effect on protein function (Kryukov, 2007; Tennessen, 2012). REFERENCES: Kryukov GV, et al. (2007) Am J Hum Genet 80:727-739. Tennessen JA, et al. (2012) Science 337(64):64-69. Based on the available evidence, this alteration is classified as pathogenic.

NM_006946.4(SPTBN2):c.1915G>T (p.Glu639Ter)

Gene: SPTBN2 (spectrin beta, non-erythrocytic 2; minus strand). Cytogenetic location: 11q13.2.
Variant type: single nucleotide variant.
Coding change: c.1915G>T on transcript NM_006946.4 (MANE Select); coding-DNA position 1915, G replaced by T.
Protein change: p.Glu639Ter; replaces glutamic acid 639 with a stop codon.
Molecular consequence: nonsense.
Genome position (GRCh38, 1-based): chr11:66,705,361, C>A on the plus strand (G>T on the coding strand, the complement: SPTBN2 is on the minus strand). VCF-style: chr11-66705361-C-A. GRCh37 (hg19) VCF-style: chr11-66472832-C-A.
Other names: short protein forms E639*.
Identifiers: ClinVar variation 208740 (VCV000208740.4), dbSNP rs769987150, ClinGen allele CA204797.
Genomic context (GRCh38, chr11:66,705,361, plus strand): 5'-CCCGCACCCAGGCCTCAGCTTCACCCACCTCCCAGAGGAAACGCCAGAGCCGCCGTGATT[C>A]CTCCAGCCGGGCCCGCCGCGCCGCTGCCAACTCGCACAGTGCCTCATAGCTCTGCTCTAG-3'